The following is an entry in ClinVar:

NM_014159.7(SETD2):c.6167C>T (p.Thr2056Ile)

Gene: SETD2 (SET domain containing 2, histone lysine methyltransferase; minus strand). Cytogenetic location: 3p21.31.
Variant type: single nucleotide variant.
Coding change: c.6167C>T on transcript NM_014159.7 (MANE Select); coding-DNA position 6167, C replaced by T.
Protein change: p.Thr2056Ile; replaces threonine 2056 with isoleucine.
Molecular consequence: missense variant. On other transcripts: non-coding transcript variant (1).
Genome position (GRCh38, 1-based): chr3:47,062,289, G>A on the plus strand (C>T on the coding strand, the complement: SETD2 is on the minus strand). VCF-style: chr3-47062289-G-A. GRCh37 (hg19) VCF-style: chr3-47103779-G-A.
Other names: c.6167C>T (NM_014159.6); c.6035C>T, p.Thr2012Ile (NM_001349370.3); short protein forms T2056I, T2012I.
Identifiers: ClinVar variation 1473521 (VCV001473521.9), dbSNP rs2040367777, ClinGen allele CA352524904.

ClinVar aggregate classification (germline): Uncertain significance. Review status: criteria provided, multiple submitters, no conflicts (2 of 4 stars). 2 submissions from 2 submitters: Uncertain significance (2). Last evaluated 2022-12-06.

Conditions:
Luscan-Lumish syndrome. Identifiers: Orphanet 597738, MedGen C4085873, MONDO:0014791, OMIM 616831.
Inborn genetic diseases. Identifiers: MedGen C0950123, MeSH D030342.

Allele frequency attached by ClinVar (database versions not stated): gnomAD exomes below 0.00001.
gnomAD v4.1: 1 of 1,613,688 alleles (0.000062%); highest among the groups gnomAD compares: Non-Finnish European, 0.000085%; no homozygotes.

Submissions (2):

Ambry Genetics
Classification: Uncertain significance for Inborn genetic diseases. Last evaluated: 2022-12-06. Review status: criteria provided, single submitter. Criteria: Ambry Variant Classification Scheme 2023. Collection method: clinical testing. Allele origin: germline.

Labcorp Genetics (formerly Invitae), Labcorp
Classification: Uncertain significance for Luscan-Lumish syndrome. Last evaluated: 2022-07-11. Review status: criteria provided, single submitter. Criteria: Invitae Variant Classification Sherloc (09022015). Collection method: clinical testing. Allele origin: germline.
Comment: This sequence change replaces threonine, which is neutral and polar, with isoleucine, which is neutral and non-polar, at codon 2056 of the SETD2 protein (p.Thr2056Ile). This variant is not present in population databases (gnomAD no frequency). This variant has not been reported in the literature in individuals affected with SETD2-related conditions. ClinVar contains an entry for this variant (Variation ID: 1473521). Algorithms developed to predict the effect of missense changes on protein structure and function are either unavailable or do not agree on the potential impact of this missense change (SIFT: "Tolerated"; PolyPhen-2: "Possibly Damaging"; Align-GVGD: "Class C15"). In summary, the available evidence is currently insufficient to determine the role of this variant in disease. Therefore, it has been classified as a Variant of Uncertain Significance.